The following is an entry in ClinVar:

ClinVar aggregate classification (germline): Pathogenic. Review status: criteria provided, multiple submitters, no conflicts (2 of 4 stars). 3 submissions from 3 submitters: Pathogenic (2). 1 of the submissions does not count toward it. Last evaluated 2024-10-08.

Conditions:
CNGA3-related disorders.
Achromatopsia 2 (ACHM2). Also called: COLORBLINDNESS, TOTAL; ROD MONOCHROMACY 2; ROD MONOCHROMATISM 2. Identifiers: Orphanet 49382, MedGen C1857618, MONDO:0009003, OMIM 216900.

Submissions (3):

Labcorp Genetics (formerly Invitae), Labcorp
Classification: Pathogenic. Last evaluated: 2024-10-08. Review status: criteria provided, single submitter. Criteria: Invitae Variant Classification Sherloc (09022015). Collection method: clinical testing. Allele origin: germline.
Comment: This sequence change creates a premature translational stop signal (p.Val373*) in the CNGA3 gene. While this is not anticipated to result in nonsense mediated decay, it is expected to disrupt the last 322 amino acid(s) of the CNGA3 protein. This variant is not present in population databases (gnomAD no frequency). This premature translational stop signal has been observed in individual(s) with achromatopsia (PMID: 28159970). ClinVar contains an entry for this variant (Variation ID: 988795). This variant disrupts a region of the CNGA3 protein in which other variant(s) (p.Arg661His) have been determined to be pathogenic (PMID: 32913385; internal data). This suggests that this is a clinically significant region of the protein, and that variants that disrupt it are likely to be disease-causing. For these reasons, this variant has been classified as Pathogenic.

Blueprint Genetics
Classification: Pathogenic for CNGA3-related disorders. Last evaluated: 2022-03-21. Review status: criteria provided, single submitter. Criteria: ACMG Guidelines, 2015. Collection method: clinical testing. Allele origin: germline. Affected: yes. Observed: 1 variant allele.

Laboratory of Genetics in Ophthalmology, Institut Imagine
Classification: Pathogenic for Achromatopsia 2. Review status: no assertion criteria provided. Collection method: research. Allele origin: inherited. Affected: yes. Observed: 1 variant allele. Not counted in ClinVar's aggregate classification.

Literature cited by the submitters: PubMed 28159970 (cited by Labcorp Genetics (formerly Invitae), Labcorp); PubMed 32913385 (cited by Labcorp Genetics (formerly Invitae), Labcorp).

NM_001298.3(CNGA3):c.1116del (p.Pro372_Val373insTer)

Gene: CNGA3 (cyclic nucleotide gated channel subunit alpha 3; plus strand). Cytogenetic location: 2q11.2.
Variant type: Deletion.
Coding change: c.1116del on transcript NM_001298.3 (MANE Select); coding-DNA position 1116, one base deleted (C; older notation c.1116delC).
Protein change: p.Pro372_Val373insTer.
Molecular consequence: frameshift variant.
Genome position (GRCh38, 1-based): chr2:98,396,286, C deleted; the last of 6 consecutive C bases (chr2:98,396,281-98,396,286); deleting any one gives the same sequence. VCF-style (leftmost placement, unchanged base first): chr2-98396280-AC-A. GRCh37 (hg19) VCF-style: chr2-99012743-AC-A.
Other names: c.1062del, p.Pro354_Val355insTer (NM_001079878.2).
Identifiers: ClinVar variation 988795 (VCV000988795.8), dbSNP rs958089715, ClinGen allele CA427819864.